The following is an entry in ClinVar:

ClinVar aggregate classification (germline): Uncertain significance (1 of 4 stars; one submission).

Conditions:
Neutropenia, severe congenital, 2, autosomal dominant. Identifiers: Orphanet 486, MedGen C2751288, MONDO:0013139, OMIM 613107.

Allele frequency attached by ClinVar (database versions not stated): gnomAD exomes below 0.00001.

Submission:

Labcorp Genetics (formerly Invitae), Labcorp
Classification: Uncertain significance for Neutropenia, severe congenital, 2, autosomal dominant. Last evaluated: 2023-02-24. Review status: criteria provided, single submitter. Criteria: Invitae Variant Classification Sherloc (09022015). Collection method: clinical testing. Allele origin: germline.
Comment: In summary, the available evidence is currently insufficient to determine the role of this variant in disease. Therefore, it has been classified as a Variant of Uncertain Significance. Algorithms developed to predict the effect of sequence changes on RNA splicing suggest that this variant may disrupt the consensus splice site. This variant has not been reported in the literature in individuals affected with GFI1-related conditions. This variant is not present in population databases (gnomAD no frequency). This sequence change falls in intron 3 of the GFI1 gene. It does not directly change the encoded amino acid sequence of the GFI1 protein.

NM_005263.5(GFI1):c.299-17C>G

Gene: GFI1 (growth factor independent 1 transcriptional repressor; minus strand). Cytogenetic location: 1p22.1.
Variant type: single nucleotide variant.
Coding change: c.299-17C>G on transcript NM_005263.5 (MANE Select); 17 bases into the intron before coding-DNA position 299, C replaced by G.
Molecular consequence: intron variant.
Genome position (GRCh38, 1-based): chr1:92,481,105, G>C on the plus strand (C>G on the coding strand, the complement: GFI1 is on the minus strand). VCF-style: chr1-92481105-G-C. GRCh37 (hg19) VCF-style: chr1-92946662-G-C.
Other names: c.299-17C>G (NM_001127216.3, NM_001127215.3).
Identifiers: ClinVar variation 2901206 (VCV002901206.3), dbSNP rs2524729342, ClinGen allele CA2574433523.